The following is an entry in ClinVar:

ClinVar aggregate classification (germline): Uncertain significance (1 of 4 stars; one submission).

Conditions:
Inborn genetic diseases. Identifiers: MedGen C0950123, MeSH D030342.

Submission:

Ambry Genetics
Classification: Uncertain significance for Inborn genetic diseases. Last evaluated: 2025-09-28. Review status: criteria provided, single submitter. Criteria: Ambry Variant Classification Scheme 2023. Collection method: clinical testing. Allele origin: germline.
Comment: The p.Y698H variant (also known as c.2092T>C), located in coding exon 13 of the PIK3CA gene, results from a T to C substitution at nucleotide position 2092. The tyrosine at codon 698 is replaced by histidine, an amino acid with similar properties. This amino acid position is conserved. In addition, the in silico prediction for this alteration is inconclusive. Based on the available evidence, the clinical significance of this variant remains unclear.

NM_006218.4(PIK3CA):c.2092T>C (p.Tyr698His)

Gene: PIK3CA (phosphatidylinositol-4,5-bisphosphate 3-kinase catalytic subunit alpha; plus strand). Cytogenetic location: 3q26.32.
Variant type: single nucleotide variant.
Coding change: c.2092T>C on transcript NM_006218.4 (MANE Select); coding-DNA position 2092, T replaced by C.
Protein change: p.Tyr698His; replaces tyrosine 698 with histidine.
Molecular consequence: missense variant.
Genome position (GRCh38, 1-based): chr3:179,221,062, T>C. VCF-style: chr3-179221062-T-C. GRCh37 (hg19) VCF-style: chr3-178938850-T-C.
Other names: short protein forms Y698H.
Identifiers: ClinVar variation 4627617 (VCV004627617.1).